The following is an entry in ClinVar:

NM_138387.4(G6PC3):c.110T>G (p.Ile37Ser)

Genes: G6PC3 (glucose-6-phosphatase catalytic subunit 3; plus strand), LOC130060959 (ATAC-STARR-seq lymphoblastoid active region 12250; plus strand). Cytogenetic location: 17q21.31.
Variant type: single nucleotide variant.
Coding change: c.110T>G on transcript NM_138387.4 (MANE Select); coding-DNA position 110, T replaced by G.
Protein change: p.Ile37Ser; replaces isoleucine 37 with serine.
Molecular consequence: missense variant. On other transcripts: 5 prime UTR variant (3), intron variant (1).
Genome position (GRCh38, 1-based): chr17:44,071,075, T>G. VCF-style: chr17-44071075-T-G. GRCh37 (hg19) VCF-style: chr17-42148443-T-G.
Other names: c.110T>G, p.Ile37Ser (NM_001319945.2); c.-295T>G (NM_001384165.1); c.-430T>G (NM_001384166.1); c.-420T>G (NM_001384167.1); c.-312+361T>G (NM_001384168.1); c.110T>G (NM_138387.3); short protein forms I37S.
Identifiers: ClinVar variation 1515006 (VCV001515006.8), dbSNP rs1157699874, ClinGen allele CA399745948.

ClinVar aggregate classification (germline): Conflicting classifications of pathogenicity. Review status: criteria provided, conflicting classifications (1 of 4 stars). 2 submissions from 2 submitters: Uncertain significance (1); Likely benign (1). Last evaluated 2025-10-24.

Conditions:
Inborn genetic diseases. Identifiers: MedGen C0950123, MeSH D030342.
Autosomal recessive severe congenital neutropenia due to G6PC3 deficiency. Also called: NEUTROPENIA, SEVERE CONGENITAL, 4, AUTOSOMAL RECESSIVE; G6PC3 Deficiency. Identifiers: Orphanet 331176, MedGen C2751630, MONDO:0012930, OMIM 612541.

Allele frequency attached by ClinVar (database versions not stated): gnomAD exomes 0.00001; TOPMed 0.00001.
gnomAD v4.1: 17 of 1,612,996 alleles (0.0011%); highest among the groups gnomAD compares: Non-Finnish European, 0.0014%; no homozygotes.

Submissions (2):

Labcorp Genetics (formerly Invitae), Labcorp
Classification: Uncertain significance for Autosomal recessive severe congenital neutropenia due to G6PC3 deficiency. Last evaluated: 2025-10-24. Review status: criteria provided, single submitter. Criteria: Invitae Variant Classification Sherloc (09022015). Collection method: clinical testing. Allele origin: germline.
Comment: This sequence change replaces isoleucine, which is neutral and non-polar, with serine, which is neutral and polar, at codon 37 of the G6PC3 protein (p.Ile37Ser). This variant is not present in population databases (gnomAD no frequency). This variant has not been reported in the literature in individuals affected with G6PC3-related conditions. ClinVar contains an entry for this variant (Variation ID: 1515006). Invitae Evidence Modeling of protein sequence and biophysical properties (such as structural, functional, and spatial information, amino acid conservation, physicochemical variation, residue mobility, and thermodynamic stability) indicates that this missense variant is not expected to disrupt G6PC3 protein function with a negative predictive value of 95%. In summary, the available evidence is currently insufficient to determine the role of this variant in disease. Therefore, it has been classified as a Variant of Uncertain Significance.

Ambry Genetics
Classification: Likely benign for Inborn genetic diseases. Last evaluated: 2025-03-03. Review status: criteria provided, single submitter. Criteria: Ambry Variant Classification Scheme 2023. Collection method: clinical testing. Allele origin: germline.